The following is an entry in ClinVar:

NM_006767.4(LZTR1):c.1045A>C (p.Thr349Pro)

Gene: LZTR1 (leucine zipper like post translational regulator 1; plus strand). Cytogenetic location: 22q11.21.
Variant type: single nucleotide variant.
Coding change: c.1045A>C on transcript NM_006767.4 (MANE Select); coding-DNA position 1045, A replaced by C.
Protein change: p.Thr349Pro; replaces threonine 349 with proline.
Molecular consequence: missense variant.
Genome position (GRCh38, 1-based): chr22:20,992,265, A>C. VCF-style: chr22-20992265-A-C. GRCh37 (hg19) VCF-style: chr22-21346554-A-C.
Other names: short protein forms T349P.
Identifiers: ClinVar variation 3541711 (VCV003541711.1).

ClinVar aggregate classification (germline): Uncertain significance (1 of 4 stars; one submission).

Conditions:
Hereditary cancer-predisposing syndrome. Also called: Hereditary Cancer Syndrome; Hereditary neoplastic syndrome; Tumor predisposition; Neoplastic Syndromes, Hereditary. Identifiers: Orphanet 140162, MedGen C0027672, MeSH D009386, MONDO:0015356.
Cardiovascular phenotype. Identifiers: MedGen CN230736.

Submission:

Ambry Genetics
Classification: Uncertain significance for Cardiovascular phenotype; Hereditary cancer-predisposing syndrome. Last evaluated: 2024-11-17. Review status: criteria provided, single submitter. Criteria: Ambry Variant Classification Scheme 2023. Collection method: clinical testing. Allele origin: germline.
Comment: The p.T349P variant (also known as c.1045A>C), located in coding exon 10 of the LZTR1 gene, results from an A to C substitution at nucleotide position 1045. The threonine at codon 349 is replaced by proline, an amino acid with highly similar properties. This amino acid position is conserved. In addition, this alteration is predicted to be tolerated by in silico analysis. Based on the available evidence, the clinical significance of this variant remains unclear.